The following is an entry in ClinVar:

NM_014638.4(PLCH2):c.2959+323C>T

Gene: PLCH2 (phospholipase C eta 2; plus strand). Cytogenetic location: 1p36.32.
Variant type: single nucleotide variant.
Coding change: c.2959+323C>T on transcript NM_014638.4 (MANE Select); 323 bases into the intron after coding-DNA position 2959, C replaced by T.
Molecular consequence: intron variant. On other transcripts: synonymous variant (1).
Genome position (GRCh38, 1-based): chr1:2,502,732, C>T. VCF-style: chr1-2502732-C-T. GRCh37 (hg19) VCF-style: chr1-2434171-C-T.
Other names: c.3201C>T, p.Gly1067= (NM_001303012.2); c.3019+323C>T (NM_001303013.1).
Identifiers: ClinVar variation 2638082 (VCV002638082.24), dbSNP rs181061314, ClinGen allele CA539474.
Genomic context (GRCh38, chr1:2,502,732, plus strand): 5'-TATCCCGGGGAGAAGCAGAGAGGCCCCCAAGGGTCCTGGGGCCTGGAGGCAGGGTCCAGG[C>T]GGTAGCGGCTCCATGTCCTCGGACTCCAGCAGCCCAGACAGCCCGGGCATCCCCGAAAGG-3'

ClinVar aggregate classification (germline): Likely benign (1 of 4 stars; one submission).

Allele frequency attached by ClinVar (database versions not stated): 1000 Genomes Project 30x 0.00187; ExAC 0.00196; 1000 Genomes Project 0.00200.
gnomAD v4.1: 2,101 of 715,678 alleles (0.29%); highest among the groups gnomAD compares: Non-Finnish European, 0.44%; 12 homozygotes.

Submission:

CeGaT Center for Human Genetics Tuebingen
Classification: Likely benign. Last evaluated: 2023-02-01. Review status: criteria provided, single submitter. Criteria: CeGaT Center For Human Genetics Tuebingen Variant Classification Criteria Version 2. Collection method: clinical testing. Allele origin: germline. Affected: yes. Observed: 2 variant alleles.
Comment: PLCH2: BP4, BP7, BS2